The following is an entry in ClinVar:

ClinVar aggregate classification (germline): Uncertain significance (1 of 4 stars; one submission).

Conditions:
Primary ciliary dyskinesia. Also called: Ciliary dyskinesia. Identifiers: Orphanet 244, MedGen C0008780, MONDO:0016575, HP:0012265.

Allele frequency attached by ClinVar (database versions not stated): gnomAD exomes below 0.00001.
gnomAD v4.1: 5 of 1,613,954 alleles (0.00031%); highest among the groups gnomAD compares: Admixed American, 0.0017%; no homozygotes.

Submission:

Ambry Genetics
Classification: Uncertain significance for Primary ciliary dyskinesia. Last evaluated: 2017-04-05. Review status: criteria provided, single submitter. Criteria: Ambry Variant Classification Scheme 2023. Collection method: clinical testing. Allele origin: germline.
Comment: The p.P4048S variant (also known as c.12142C>T), located in coding exon 74 of the DNAH11 gene, results from a C to T substitution at nucleotide position 12142. The proline at codon 4048 is replaced by serine, an amino acid with similar properties. This amino acid position is well conserved in available vertebrate species. In addition, this alteration is predicted to be tolerated by in silico analysis. Since supporting evidence is limited at this time, the clinical significance of this alteration remains unclear.

NM_001277115.2(DNAH11):c.12142C>T (p.Pro4048Ser)

Gene: DNAH11 (dynein axonemal heavy chain 11; plus strand). Cytogenetic location: 7p15.3.
Variant type: single nucleotide variant.
Coding change: c.12142C>T on transcript NM_001277115.2 (MANE Select); coding-DNA position 12142, C replaced by T.
Protein change: p.Pro4048Ser; replaces proline 4048 with serine.
Molecular consequence: missense variant.
Genome position (GRCh38, 1-based): chr7:21,873,448, C>T. VCF-style: chr7-21873448-C-T. GRCh37 (hg19) VCF-style: chr7-21913066-C-T.
Other names: c.12163C>T, p.Pro4055Ser (NM_003777.3); short protein forms P4048S, P4055S.
Identifiers: ClinVar variation 1751060 (VCV001751060.2), dbSNP rs1783575829, ClinGen allele CA366963317.